The following is an entry in ClinVar:

NM_006506.5(RASA2):c.2036C>T (p.Thr679Met)

Gene: RASA2 (RAS p21 protein activator 2; plus strand). Cytogenetic location: 3q23.
Variant type: single nucleotide variant.
Coding change: c.2036C>T on transcript NM_006506.5 (MANE Select); coding-DNA position 2036, C replaced by T.
Protein change: p.Thr679Met; replaces threonine 679 with methionine.
Molecular consequence: missense variant.
Genome position (GRCh38, 1-based): chr3:141,608,508, C>T. VCF-style: chr3-141608508-C-T. GRCh37 (hg19) VCF-style: chr3-141327350-C-T.
Other names: c.2048C>T (NM_001303246.1); c.2039C>T, p.Thr680Met (NM_001303245.3); c.2048C>T, p.Thr683Met (NM_001303246.3); short protein forms T679M, T683M, T680M.
Identifiers: ClinVar variation 2038117 (VCV002038117.5), dbSNP rs149993684, ClinGen allele CA2645735.

ClinVar aggregate classification (germline): Uncertain significance. Review status: criteria provided, multiple submitters, no conflicts (2 of 4 stars). 2 submissions from 2 submitters: Uncertain significance (2). Last evaluated 2025-09-08.

Conditions:
RASA2-related disorder. Also called: RASA2-related condition.

Allele frequency attached by ClinVar (database versions not stated): ExAC 0.00002; TOPMed 0.00003; gnomAD 0.00004; gnomAD exomes 0.00004; ESP Exome Variant Server 0.00008; 1000 Genomes Project 30x 0.00016; 1000 Genomes Project 0.00020.

Submissions (2):

PreventionGenetics, part of Exact Sciences
Classification: Uncertain significance for RASA2-related condition. Last evaluated: 2025-09-08. Review status: criteria provided, single submitter. Criteria: ACMG Guidelines, 2015. Collection method: clinical testing. Allele origin: germline.
Comment: The RASA2 c.2048C>T variant is predicted to result in the amino acid substitution p.Thr683Met. To our knowledge, this variant has not been reported in the literature. This variant is reported in 0.0035% of alleles in individuals of European (Non-Finnish) descent in gnomAD. At this time, the clinical significance of this variant is uncertain due to the absence of conclusive functional and genetic evidence.

Labcorp Genetics (formerly Invitae), Labcorp
Classification: Uncertain significance. Last evaluated: 2025-03-30. Review status: criteria provided, single submitter. Criteria: Invitae Variant Classification Sherloc (09022015). Collection method: clinical testing. Allele origin: germline.
Comment: This sequence change replaces threonine, which is neutral and polar, with methionine, which is neutral and non-polar, at codon 679 of the RASA2 protein (p.Thr679Met). This variant is present in population databases (rs149993684, gnomAD 0.003%). This variant has not been reported in the literature in individuals affected with RASA2-related conditions. ClinVar contains an entry for this variant (Variation ID: 2038117). Invitae Evidence Modeling of protein sequence and biophysical properties (such as structural, functional, and spatial information, amino acid conservation, physicochemical variation, residue mobility, and thermodynamic stability) indicates that this missense variant is not expected to disrupt RASA2 protein function with a negative predictive value of 80%. In summary, the available evidence is currently insufficient to determine the role of this variant in disease. Therefore, it has been classified as a Variant of Uncertain Significance.